The following is an entry in ClinVar:

ClinVar aggregate classification (germline): Conflicting classifications of pathogenicity. Review status: criteria provided, conflicting classifications (1 of 4 stars). 6 submissions from 6 submitters: Pathogenic (1); Likely pathogenic (2); Uncertain significance (3). Last evaluated 2026-09-24.

Conditions:
RDH12-related disorder. Also called: RDH12-related condition; RDH12-related disorders.
Autosomal dominant retinitis pigmentosa. Identifiers: MedGen C0339525.
Leber congenital amaurosis 13 (LCA13). Identifiers: MedGen C2675186, MONDO:0012990, OMIM 612712.
Leber congenital amaurosis (LCA). Also called: Leber's amaurosis. Identifiers: Orphanet 65, MedGen C0339527, MeSH D057130, MONDO:0018998.

Allele frequency attached by ClinVar (database versions not stated): gnomAD 0.00001; TOPMed 0.00001; ExAC 0.00002; gnomAD exomes 0.00002; ESP Exome Variant Server 0.00008.
gnomAD v4.1: 31 of 1,613,850 alleles (0.0019%); highest among the groups gnomAD compares: Non-Finnish European, 0.0025%; no homozygotes.

Submissions (6):

PreventionGenetics, part of Exact Sciences
Classification: Likely pathogenic for RDH12-related condition. Last evaluated: 2026-09-24. Review status: criteria provided, single submitter. Criteria: ACMG Guidelines, 2015. Collection method: clinical testing. Allele origin: germline.
Comment: The RDH12 c.302A>G variant is predicted to result in the amino acid substitution p.Asp101Gly. This variant was reported, along with a second plausible causative variant, in individuals with retinal disease (Aleman et al. 2018. PubMed ID: 30372751; Fahim et al. 2019. PubMed ID: 30979730; Aleman et al. 2024. PubMed ID: 39693083). This variant is reported in 0.0026% of alleles in individuals of European (Non-Finnish) descent in gnomAD. This variant is interpreted as likely pathogenic for autosomal recessive RDH12-related disease.

Natera, Inc.
Classification: Likely pathogenic for Leber congenital amaurosis. Last evaluated: 2025-09-15. Review status: criteria provided, single submitter. Criteria: Natera Variant Classification Schema (03/2026). Collection method: clinical testing. Allele origin: germline.
Comment: The c.302A>G variant in RDH12 is a missense variant predicted to cause substitution of aspartic acid to glycine at amino acid 101. This variant is rare in the general population with a frequency below the threshold expected for the associated phenotype(s). This variant has been observed in one or more individuals affected with the associated recessive disease, as either homozygous or compound heterozygous with a second variant (PMID: 30372751, 39693083). Additionally, this variant has been observed to segregate in affected family members (PMID: 30372751). Computational prediction algorithms indicate this variant is likely to affect gene or protein function. Given the available evidence, this variant is classified as Likely Pathogenic.

Labcorp Genetics (formerly Invitae), Labcorp
Classification: Uncertain significance for Leber congenital amaurosis 13. Last evaluated: 2025-09-09. Review status: criteria provided, single submitter. Criteria: Invitae Variant Classification Sherloc (09022015). Collection method: clinical testing. Allele origin: germline.
Comment: This sequence change replaces aspartic acid, which is acidic and polar, with glycine, which is neutral and non-polar, at codon 101 of the RDH12 protein (p.Asp101Gly). This variant is present in population databases (rs374675592, gnomAD 0.002%). This missense change has been observed in individual(s) with Leber congenital amaurosis (PMID: 30372751). ClinVar contains an entry for this variant (Variation ID: 197879). Invitae Evidence Modeling of protein sequence and biophysical properties (such as structural, functional, and spatial information, amino acid conservation, physicochemical variation, residue mobility, and thermodynamic stability) has been performed for this missense variant. However, the output from this modeling did not meet the statistical confidence thresholds required to predict the impact of this variant on RDH12 protein function. In summary, the available evidence is currently insufficient to determine the role of this variant in disease. Therefore, it has been classified as a Variant of Uncertain Significance.

GeneDx
Classification: Uncertain significance. Last evaluated: 2022-07-31. Review status: criteria provided, single submitter. Criteria: GeneDx Variant Classification Process June 2021. Collection method: clinical testing. Allele origin: germline. Affected: yes.
Comment: Identified in patients with features of RDH12-associated retinal degeneration in published literature, but it is unknown whether these individuals were screened for variants in other genes associated with retinal dystrophy (Aleman et al., 2018; Fahim et al., 2019); In silico analysis supports that this missense variant has a deleterious effect on protein structure/function; This variant is associated with the following publications: (PMID: 30372751, 30979730)

Blueprint Genetics
Classification: Pathogenic for RDH12-related disorders. Last evaluated: 2022-06-29. Review status: criteria provided, single submitter. Criteria: ACMG Guidelines, 2015. Collection method: clinical testing. Allele origin: germline. Affected: yes. Observed: 4 variant alleles.

Eurofins Ntd Llc (ga)
Classification: Uncertain significance. Last evaluated: 2014-10-20. Review status: criteria provided, single submitter. Criteria: EGL Classification Definitions 2015. Collection method: clinical testing. Allele origin: germline. Observed: 2 variant alleles, 2 heterozygotes.

Literature cited by the submitters: PubMed 30372751 (cited by Natera, Inc. and Labcorp Genetics (formerly Invitae), Labcorp); PubMed 39693083 (cited by Natera, Inc.).

NM_152443.3(RDH12):c.302A>G (p.Asp101Gly)

Genes: GPHN (gephyrin; plus strand), RDH12 (retinol dehydrogenase 12; plus strand). Cytogenetic location: 14q24.1.
Variant type: single nucleotide variant.
Coding change: c.302A>G on transcript NM_152443.3 (MANE Select); coding-DNA position 302, A replaced by G.
Protein change: p.Asp101Gly; replaces aspartic acid 101 with glycine.
Molecular consequence: missense variant.
Genome position (GRCh38, 1-based): chr14:67,725,213, A>G. VCF-style: chr14-67725213-A-G. GRCh37 (hg19) VCF-style: chr14-68191930-A-G.
Other names: c.302A>G (NM_152443.2); short protein forms D101G.
Identifiers: ClinVar variation 197879 (VCV000197879.16), dbSNP rs374675592, ClinGen allele CA246265.